The following is an entry in ClinVar:

NM_005609.4(PYGM):c.481C>T (p.Arg161Cys)

Gene: PYGM (glycogen phosphorylase, muscle associated; minus strand). Cytogenetic location: 11q13.1.
Variant type: single nucleotide variant.
Coding change: c.481C>T on transcript NM_005609.4 (MANE Select); coding-DNA position 481, C replaced by T.
Protein change: p.Arg161Cys; replaces arginine 161 with cysteine.
Molecular consequence: missense variant. On other transcripts: intron variant (1).
Genome position (GRCh38, 1-based): chr11:64,758,293, G>A on the plus strand (C>T on the coding strand, the complement: PYGM is on the minus strand). VCF-style: chr11-64758293-G-A. GRCh37 (hg19) VCF-style: chr11-64525765-G-A.
Other names: c.244-27C>T (NM_001164716.1); c.481C>T (NM_005609.3); short protein forms R161C.
Identifiers: ClinVar variation 551832 (VCV000551832.11), dbSNP rs200038732, ClinGen allele CA6080240.

ClinVar aggregate classification (germline): Conflicting classifications of pathogenicity. Review status: criteria provided, conflicting classifications (1 of 4 stars). 7 submissions from 7 submitters: Likely pathogenic (3); Uncertain significance (3). 1 of the submissions does not count toward it. Last evaluated 2025-12-18.

Conditions:
Glycogen storage disease, type V (GSD5). Also called: McArdle type glycogen storage disease; MCARDLE DISEASE; MUSCLE GLYCOGEN PHOSPHORYLASE DEFICIENCY; MYOPHOSPHORYLASE DEFICIENCY; PYGM DEFICIENCY. Identifiers: Orphanet 368, MedGen C0017924, MONDO:0009293, OMIM 232600.

Allele frequency attached by ClinVar (database versions not stated): ExAC 0.00001; gnomAD exomes 0.00001 and 0.00002; TOPMed 0.00001; gnomAD 0.00002 and 0.00003; 1000 Genomes Project 30x 0.00016; 1000 Genomes Project 0.00020.
gnomAD v4.1: 39 of 1,614,050 alleles (0.0024%); highest among the groups gnomAD compares: South Asian, 0.0066%; no homozygotes.

Submissions (7):

Myriad Genetics, Inc.
Classification: Uncertain significance for Glycogen storage disease, type V. Last evaluated: 2025-12-18. Review status: criteria provided, single submitter. Criteria: Myriad Autosomal Dominant, Autosomal Recessive and X-Linked Classification Criteria (2023). Collection method: clinical testing. Allele origin: unknown.
Comment: NM_005609.2(PYGM):c.481C>T(R161C) is a missense variant classified as a variant of uncertain significance in the context of glycogen storage disease, PYGM-related. R161C has been observed in cases with relevant disease (PMID: 33234167, 17404776). Relevant functional assessments of this variant are not available in the literature. R161C has been observed in referenced population frequency databases. In summary, there is insufficient evidence to classify NM_005609.2(PYGM):c.481C>T(R161C) as pathogenic or benign. Please note: this variant was assessed in the context of healthy population screening.

Natera, Inc.
Classification: Likely pathogenic for Glycogen storage disease V. Last evaluated: 2025-08-07. Review status: criteria provided, single submitter. Criteria: Natera Variant Classification Schema (03/2026). Collection method: clinical testing. Allele origin: germline.
Comment: The c.481C>T variant in PYGM is a missense variant predicted to cause substitution of arginine to cysteine at amino acid 161. This variant is rare in the general population with a frequency below the threshold expected for the associated phenotype(s). This variant has been observed in one or more individuals affected with the associated recessive disease, as either homozygous or compound heterozygous with a second variant (PMID: 17404776, 34534370, 34215481). Computational prediction algorithms indicate this variant is likely to affect gene or protein function. Given the available evidence, this variant is classified as Likely Pathogenic.

Fulgent Genetics
Classification: Likely pathogenic for Glycogen storage disease, type V. Last evaluated: 2024-03-06. Review status: criteria provided, single submitter. Criteria: ACMG Guidelines, 2015. Collection method: clinical testing. Allele origin: germline.

Revvity Omics, Revvity
Classification: Uncertain significance for Glycogen storage disease, type V. Last evaluated: 2023-12-27. Review status: criteria provided, single submitter. Criteria: ACMG Guidelines, 2015. Collection method: clinical testing. Allele origin: germline.

Baylor Genetics
Classification: Likely pathogenic for Glycogen storage disease, type V. Last evaluated: 2023-08-02. Review status: criteria provided, single submitter. Criteria: ACMG Guidelines, 2015. Collection method: clinical testing. Allele origin: unknown.

Labcorp Genetics (formerly Invitae), Labcorp
Classification: Uncertain significance for Glycogen storage disease, type V. Last evaluated: 2022-07-03. Review status: criteria provided, single submitter. Criteria: Invitae Variant Classification Sherloc (09022015). Collection method: clinical testing. Allele origin: germline.
Comment: This sequence change replaces arginine, which is basic and polar, with cysteine, which is neutral and slightly polar, at codon 161 of the PYGM protein (p.Arg161Cys). This variant is present in population databases (rs200038732, gnomAD 0.002%). This missense change has been observed in individual(s) with glycogen storage disease type V (PMID: 17404776). ClinVar contains an entry for this variant (Variation ID: 551832). Algorithms developed to predict the effect of missense changes on protein structure and function are either unavailable or do not agree on the potential impact of this missense change (SIFT: "Not Available"; PolyPhen-2: "Probably Damaging"; Align-GVGD: "Not Available"). In summary, the available evidence is currently insufficient to determine the role of this variant in disease. Therefore, it has been classified as a Variant of Uncertain Significance.

Counsyl
Classification: Uncertain significance for Glycogen storage disease, type V. Last evaluated: 2017-05-09. Review status: no assertion criteria provided. Collection method: clinical testing. Allele origin: unknown. Not counted in ClinVar's aggregate classification.

Literature cited by the submitters: PubMed 17404776 (cited by 4 submitters); PubMed 33234167 (cited by Myriad Genetics, Inc.); PubMed 34534370 (cited by Natera, Inc.); PubMed 34215481 (cited by Natera, Inc.).